The following is an entry in ClinVar:

ClinVar aggregate classification (germline): Uncertain significance (1 of 4 stars; one submission).

Submission:

GeneDx
Classification: Uncertain significance. Last evaluated: 2024-08-06. Review status: criteria provided, single submitter. Criteria: GeneDx Variant Classification Process June 2021. Collection method: clinical testing. Allele origin: germline. Affected: yes.
Comment: Not observed at significant frequency in large population cohorts (gnomAD); In silico analysis supports that this missense variant has a deleterious effect on protein structure/function; Has not been previously published as pathogenic or benign to our knowledge

NM_000141.5(FGFR2):c.563C>A (p.Thr188Asn)

Gene: FGFR2 (fibroblast growth factor receptor 2; minus strand). Cytogenetic location: 10q26.13.
Variant type: single nucleotide variant.
Coding change: c.563C>A on transcript NM_000141.5 (MANE Select); coding-DNA position 563, C replaced by A.
Protein change: p.Thr188Asn; replaces threonine 188 with asparagine.
Molecular consequence: missense variant. On other transcripts: non-coding transcript variant (1).
Genome position (GRCh38, 1-based): chr10:121,551,351, G>T on the plus strand (C>A on the coding strand, the complement: FGFR2 is on the minus strand). VCF-style: chr10-121551351-G-T. GRCh37 (hg19) VCF-style: chr10-123310865-G-T.
Other names: c.563C>A, p.Thr188Asn (NM_001144913.1, NM_001144914.1, NM_001144917.2 and 2 more transcripts); c.296C>A, p.Thr99Asn (NM_001144915.2, NM_001144919.2, NM_023029.3); c.218C>A, p.Thr73Asn (NM_001144916.2, NM_001144918.2); short protein forms T188N, T73N, T99N.
Identifiers: ClinVar variation 3603108 (VCV003603108.1).